The following is an entry in ClinVar:

ClinVar aggregate classification (germline): Pathogenic. Review status: criteria provided, multiple submitters, no conflicts (2 of 4 stars). 2 submissions from 2 submitters: Pathogenic (2). Last evaluated 2025-12-13.

Conditions:
Familial adenomatous polyposis 1 (FAP1). Also called: POLYPOSIS, ADENOMATOUS INTESTINAL; FAMILIAL ADENOMATOUS POLYPOSIS 1, ATTENUATED. Identifiers: MedGen C2713442, MONDO:0021056, OMIM 175100. Disease mechanism: loss of function.

Submissions (2):

Labcorp Genetics (formerly Invitae), Labcorp
Classification: Pathogenic for Familial adenomatous polyposis 1. Last evaluated: 2025-12-13. Review status: criteria provided, single submitter. Criteria: Invitae Variant Classification Sherloc (09022015). Collection method: clinical testing. Allele origin: germline.
Comment: This sequence change creates a premature translational stop signal (p.Arg1687Thrfs*13) in the APC gene. While this is not anticipated to result in nonsense mediated decay, it is expected to disrupt the last 1157 amino acid(s) of the APC protein. This variant is not present in population databases (gnomAD no frequency). This variant has not been reported in the literature in individuals affected with APC-related conditions. ClinVar contains an entry for this variant (Variation ID: 2583442). This variant is expected to disrupt the EB1 and HDLG binding sites, which mediate interactions with the cytoskeleton (PMID: 15311282, 17293347). While functional studies have not been performed to directly test the effect on APC protein function, this suggests that disruption of the C-terminal portion of the protein is functionally important. A different truncation (p.Tyr2645Lysfs*14) that lies downstream of this variant has been determined to be pathogenic (PMID: 9824584, 1316610, 27081525, 8381579, 22135120, internal data). This suggests that deletion of this region of the APC protein is causative of disease. For these reasons, this variant has been classified as Pathogenic.

Myriad Genetics, Inc.
Classification: Pathogenic for Familial adenomatous polyposis 1. Last evaluated: 2023-05-12. Review status: criteria provided, single submitter. Criteria: Myriad Autosomal Dominant, Autosomal Recessive and X-Linked Classification Criteria (2023). Collection method: clinical testing. Allele origin: unknown.
Comment: This variant is considered pathogenic. This variant creates a frameshift predicted to result in premature protein truncation.

Literature cited by the submitters: PubMed 15311282 (cited by Labcorp Genetics (formerly Invitae), Labcorp); PubMed 17293347 (cited by Labcorp Genetics (formerly Invitae), Labcorp); PubMed 9824584 (cited by Labcorp Genetics (formerly Invitae), Labcorp); PubMed 1316610 (cited by Labcorp Genetics (formerly Invitae), Labcorp); PubMed 27081525 (cited by Labcorp Genetics (formerly Invitae), Labcorp); PubMed 8381579 (cited by Labcorp Genetics (formerly Invitae), Labcorp); PubMed 22135120 (cited by Labcorp Genetics (formerly Invitae), Labcorp).

NM_000038.6(APC):c.5058dup (p.Arg1687fs)

Gene: APC (APC regulator of Wnt signaling pathway; plus strand). Cytogenetic location: 5q22.2.
Variant type: Duplication.
Coding change: c.5058dup on transcript NM_000038.6 (MANE Select); coding-DNA position 5058, one base duplicated (A; older notation c.5058dupA).
Protein change: p.Arg1687fs; shifts the reading frame from arginine 1687.
Molecular consequence: frameshift variant. On other transcripts: non-coding transcript variant (2).
Genome position (GRCh38, 1-based): chr5:112,840,652, A duplicated; the last of 5 consecutive A bases (chr5:112,840,648-112,840,652); duplicating any one gives the same sequence. VCF-style (leftmost placement, unchanged base first): chr5-112840647-G-GA. GRCh37 (hg19) VCF-style: chr5-112176344-G-GA.
Other names: c.5058dup, p.Arg1687fs (NM_001127510.3, NM_001354895.2, NM_001407450.1); c.5004dup, p.Arg1669fs (NM_001127511.3); c.5112dup, p.Arg1705fs (NM_001354896.2, NM_001407447.1, NM_001407448.1 and 1 more transcripts); c.5088dup, p.Arg1697fs (NM_001354897.2); c.4983dup, p.Arg1662fs (NM_001354898.2); c.4974dup, p.Arg1659fs (NM_001354899.2); c.4935dup, p.Arg1646fs (NM_001354900.2); c.4881dup, p.Arg1628fs (NM_001354901.2, NM_001407453.1); and 11 more; short protein forms R1303fs, R1404fs, R1527fs, R1558fs, R1561fs, R1586fs, R1596fs, R1604fs.
Identifiers: ClinVar variation 2583442 (VCV002583442.2), dbSNP rs2533617508, ClinGen allele CA2582341417.